The following is an entry in ClinVar:

NM_138694.4(PKHD1):c.11836T>C (p.Leu3946=)

Gene: PKHD1 (PKHD1 ciliary IPT domain containing fibrocystin/polyductin; minus strand). Cytogenetic location: 6p12.3.
Variant type: single nucleotide variant.
Coding change: c.11836T>C on transcript NM_138694.4 (MANE Select); coding-DNA position 11836, T replaced by C.
Protein change: p.Leu3946=; no amino-acid change (leucine 3946 retained).
Molecular consequence: synonymous variant.
Genome position (GRCh38, 1-based): chr6:51,619,470, A>G on the plus strand (T>C on the coding strand, the complement: PKHD1 is on the minus strand). VCF-style: chr6-51619470-A-G. GRCh37 (hg19) VCF-style: chr6-51484268-A-G.
Identifiers: ClinVar variation 287519 (VCV000287519.17), dbSNP rs35403035, ClinGen allele CA3850679.

ClinVar aggregate classification (germline): Conflicting classifications of pathogenicity. Review status: criteria provided, conflicting classifications (1 of 4 stars). 4 submissions from 4 submitters: Uncertain significance (1); Likely benign (1). 2 of the submissions do not count toward it. Last evaluated 2025-12-08.

Conditions:
PKHD1-related disorder. Also called: PKHD1-related condition.
Autosomal recessive polycystic kidney disease (ARPKD). Also called: AR polycystic kidney disease. Identifiers: Orphanet 731, Orphanet 8378, MedGen C0085548, MeSH D017044, MONDO:0009889.

Allele frequency attached by ClinVar (database versions not stated): TOPMed 0.00004; gnomAD 0.00008; ESP Exome Variant Server 0.00015.
gnomAD v4.1: 116 of 1,613,950 alleles (0.0072%); highest among the groups gnomAD compares: Non-Finnish European, 0.0093%; no homozygotes.

Submissions (4):

Labcorp Genetics (formerly Invitae), Labcorp
Classification: Likely benign for Autosomal recessive polycystic kidney disease. Last evaluated: 2025-12-08. Review status: criteria provided, single submitter. Criteria: Invitae Variant Classification Sherloc (09022015). Collection method: clinical testing. Allele origin: germline.

Eurofins Ntd Llc (ga)
Classification: Uncertain significance. Last evaluated: 2016-04-22. Review status: criteria provided, single submitter. Criteria: EGL Classification Definitions 2015. Collection method: clinical testing. Allele origin: germline. Observed: 1 variant allele, 1 heterozygote.

PreventionGenetics, part of Exact Sciences
Classification: Likely benign for PKHD1-related condition. Last evaluated: 2023-10-20. Review status: no assertion criteria provided. Collection method: clinical testing. Allele origin: germline. Not counted in ClinVar's aggregate classification.
Comment: This variant is classified as likely benign based on ACMG/AMP sequence variant interpretation guidelines (Richards et al. 2015 PMID: 25741868, with internal and published modifications).

Natera, Inc.
Classification: Likely benign for Autosomal recessive polycystic kidney disease. Last evaluated: 2020-09-16. Review status: no assertion criteria provided. Collection method: clinical testing. Allele origin: germline. Not counted in ClinVar's aggregate classification.